The following is an entry in ClinVar:

NM_001134363.3(RBM20):c.3047G>A (p.Gly1016Asp)

Gene: RBM20 (RNA binding motif protein 20; plus strand). Cytogenetic location: 10q25.2.
Variant type: single nucleotide variant.
Coding change: c.3047G>A on transcript NM_001134363.3 (MANE Select); coding-DNA position 3047, G replaced by A.
Protein change: p.Gly1016Asp; replaces glycine 1016 with aspartic acid.
Molecular consequence: missense variant.
Genome position (GRCh38, 1-based): chr10:110,821,666, G>A. VCF-style: chr10-110821666-G-A. GRCh37 (hg19) VCF-style: chr10-112581424-G-A.
Other names: c.3047G>A (NM_001134363.1); short protein forms G1016D.
Identifiers: ClinVar variation 1062171 (VCV001062171.11), dbSNP rs540014314, ClinGen allele CA5688726.
Genomic context (GRCh38, chr10:110,821,666, plus strand): 5'-ACGTGGAAATGCCTGGCCTAAATCTGGATGCTGAGCGGAAGCCAGCTGAAAGTGAGACAG[G>A]CCTCTCCCTGGAGGATTCAGATTGCTACGAGAAGGAGGCAAAGGGAGTGGAGAGCTCAGA-3'
Protein context (NP_001127835.2, residues 1006-1026): AERKPAESET[Gly1016Asp]LSLEDSDCYE

ClinVar aggregate classification (germline): Conflicting classifications of pathogenicity. Review status: criteria provided, conflicting classifications (1 of 4 stars). 3 submissions from 3 submitters: Uncertain significance (2); Likely benign (1). Last evaluated 2025-10-01.

Conditions:
Cardiovascular phenotype. Identifiers: MedGen CN230736.
Dilated cardiomyopathy 1DD (CMD1DD). Identifiers: Orphanet 154, MedGen C2750995, MONDO:0013168, OMIM 613172.

gnomAD v4.1: 35 of 1,551,694 alleles (0.0023%); highest among the groups gnomAD compares: South Asian, 0.02%; no homozygotes.

Submissions (3):

Labcorp Genetics (formerly Invitae), Labcorp
Classification: Likely benign for Dilated cardiomyopathy 1DD. Last evaluated: 2025-10-01. Review status: criteria provided, single submitter. Criteria: Invitae Variant Classification Sherloc (09022015). Collection method: clinical testing. Allele origin: germline.

Ambry Genetics
Classification: Uncertain significance for Cardiovascular phenotype. Last evaluated: 2023-04-07. Review status: criteria provided, single submitter. Criteria: Ambry Variant Classification Scheme 2023. Collection method: clinical testing. Allele origin: germline.
Comment: The p.G1016D variant (also known as c.3047G>A), located in coding exon 11 of the RBM20 gene, results from a G to A substitution at nucleotide position 3047. The glycine at codon 1016 is replaced by aspartic acid, an amino acid with similar properties. This amino acid position is not well conserved in available vertebrate species. In addition, this alteration is predicted to be tolerated by in silico analysis. Since supporting evidence is limited at this time, the clinical significance of this alteration remains unclear.

Breakthrough Genomics
Classification: Uncertain significance. Review status: criteria provided, single submitter. Criteria: ACMG Guidelines, 2015. Collection method: not provided. Allele origin: germline. Inheritance: Autosomal dominant inheritance. Affected: yes.